The following is an entry in ClinVar:

ClinVar aggregate classification (germline): Uncertain significance (1 of 4 stars; one submission).

Conditions:
Microcephaly, normal intelligence and immunodeficiency (NBS). Also called: BERLIN BREAKAGE SYNDROME; SEEMANOVA SYNDROME II; Immunodeficiency, microcephaly with normal intelligence; Nijmegen breakage syndrome; Microcephaly with normal intelligence immunodeficiency and lymphoreticular malignancies; Nonsyndromal microcephaly autosomal recessive with normal intelligence. Identifiers: Orphanet 647, MedGen C0398791, MONDO:0009623, OMIM 251260.

Submission:

Labcorp Genetics (formerly Invitae), Labcorp
Classification: Uncertain significance for Microcephaly, normal intelligence and immunodeficiency. Last evaluated: 2020-07-22. Review status: criteria provided, single submitter. Criteria: Invitae Variant Classification Sherloc (09022015). Collection method: clinical testing. Allele origin: germline.
Comment: This variant has not been reported in the literature in individuals with NBN-related conditions. In summary, the available evidence is currently insufficient to determine the role of this variant in disease. Therefore, it has been classified as a Variant of Uncertain Significance. Algorithms developed to predict the effect of missense changes on protein structure and function output the following: SIFT: "Tolerated"; PolyPhen-2: "Benign"; Align-GVGD: "Class C0". The isoleucine amino acid residue is found in multiple mammalian species, suggesting that this missense change does not adversely affect protein function. These predictions have not been confirmed by published functional studies and their clinical significance is uncertain. This variant is not present in population databases (ExAC no frequency). This sequence change replaces leucine with isoleucine at codon 528 of the NBN protein (p.Leu528Ile). The leucine residue is weakly conserved and there is a small physicochemical difference between leucine and isoleucine.

NM_002485.5(NBN):c.1582T>A (p.Leu528Ile)

Gene: NBN (nibrin; minus strand). Cytogenetic location: 8q21.3.
Variant type: single nucleotide variant.
Coding change: c.1582T>A on transcript NM_002485.5 (MANE Select); coding-DNA position 1582, T replaced by A.
Protein change: p.Leu528Ile; replaces leucine 528 with isoleucine.
Molecular consequence: missense variant.
Genome position (GRCh38, 1-based): chr8:89,953,507, A>T on the plus strand (T>A on the coding strand, the complement: NBN is on the minus strand). VCF-style: chr8-89953507-A-T. GRCh37 (hg19) VCF-style: chr8-90965735-A-T.
Other names: c.1336T>A, p.Leu446Ile (NM_001024688.3); short protein forms L446I, L528I.
Identifiers: ClinVar variation 1064310 (VCV001064310.9), dbSNP rs2129700664, ClinGen allele CA371655545.
Genomic context (GRCh38, chr8:89,953,507, plus strand): 5'-TTGATCTTAGCTTTTCTGCAGCATGAGATTTACTGGCAGAATTTTTCACAATAGATTTTA[A>T]ATCTGTATCTGTAAATAAGTTATTGTCTGAGTTTGTGTCCACAGGCTCATTCTCAGATAG-3'
Protein context (NP_002476.2, residues 518-538): SDNNLFTDTD[Leu528Ile]KSIVKNSASK